The following is an entry in ClinVar:

NM_004588.5(SCN2B):c.625_626delinsCC (p.Asn209Pro)

Gene: SCN2B (sodium voltage-gated channel beta subunit 2; minus strand). Cytogenetic location: 11q23.3.
Variant type: Indel.
Coding change: c.625_626delinsCC on transcript NM_004588.5 (MANE Select); coding-DNA positions 625 to 626, AA replaced by CC.
Protein change: p.Asn209Pro; replaces asparagine 209 with proline.
Molecular consequence: missense variant.
Genome position (GRCh38, 1-based): chr11:118,166,909-118,166,910, TT replaced by GG on the plus strand (AA replaced by CC on the coding strand, the reverse complement: SCN2B is on the minus strand). VCF-style: chr11-118166909-TT-GG. GRCh37 (hg19) VCF-style: chr11-118037624-TT-GG.
Other names: c.625_626delinsCC (NM_004588.4); short protein forms N209P.
Identifiers: ClinVar variation 422854 (VCV000422854.18), dbSNP rs1064796044, ClinGen allele CA16619273.

ClinVar aggregate classification (germline): Conflicting classifications of pathogenicity. Review status: criteria provided, conflicting classifications (1 of 4 stars). 5 submissions from 5 submitters: Uncertain significance (3); Likely benign (2). Last evaluated 2026-08-24.

Conditions:
Cardiovascular phenotype. Identifiers: MedGen CN230736.
SCN2B-related disorder. Also called: SCN2B-related condition.
Atrial fibrillation, familial, 14 (ATFB14). Identifiers: MedGen C3809312, MONDO:0014156, OMIM 615378.

Submissions (5):

GeneDx
Classification: Uncertain significance. Last evaluated: 2026-08-24. Review status: criteria provided, single submitter. Criteria: GeneDx Variant Classification Process June 2021. Collection method: clinical testing. Allele origin: germline.
Comment: Identified in a patient with juvenile myoclonic epilepsy (JME), but did not segregate with disease in an affected sibling, as well as in cohorts of sudden unexplained death patients or their family members (PMID: 10976944, 38756210, 38493454); In silico analysis suggests that this variant does not alter protein structure/function; Variants in candidate genes are classified as variants of uncertain significance in accordance with ACMG guidelines (PMID: 25741868); This variant is associated with the following publications: (PMID: 10976944, 38756210, 38493454)

PreventionGenetics, part of Exact Sciences
Classification: Likely benign for SCN2B-related condition. Last evaluated: 2026-05-30. Review status: criteria provided, single submitter. Criteria: ACMG Guidelines, 2015. Collection method: clinical testing. Allele origin: germline.
Comment: This variant is classified as likely benign based on ACMG/AMP sequence variant interpretation guidelines (Richards et al. 2015 PMID: 25741868, with internal and published modifications).

Labcorp Genetics (formerly Invitae), Labcorp
Classification: Uncertain significance for Atrial fibrillation, familial, 14. Last evaluated: 2026-02-04. Review status: criteria provided, single submitter. Criteria: Invitae Variant Classification Sherloc (09022015). Collection method: clinical testing. Allele origin: germline.
Comment: This sequence change replaces asparagine, which is neutral and polar, with proline, which is neutral and non-polar, at codon 209 of the SCN2B protein (p.Asn209Pro). This variant is present in population databases (no rsID available, gnomAD 0.02%). This missense change has been observed in individual(s) with epilepsy (PMID: 10976944). ClinVar contains an entry for this variant (Variation ID: 422854). An algorithm developed to predict the effect of missense changes on protein structure and function (PolyPhen-2) suggests that this variant is likely to be disruptive. In summary, the available evidence is currently insufficient to determine the role of this variant in disease. Therefore, it has been classified as a Variant of Uncertain Significance.

Dasa
Classification: Uncertain significance. Last evaluated: 2025-10-03. Review status: criteria provided, single submitter. Criteria: DASA Assertion Criteria. Collection method: clinical testing. Allele origin: germline.
Comment: NM_004588.5(SCN2B):c.625_626delinsCC (p.Asn209Pro) is an in-frame insertion/deletion-insertion predicted to alter the protein sequence without shifting the reading frame. This variant is absent from population databases. The currently available literature and clinical evidence are not sufficient to establish a definitive association between this variant and the reported condition. Therefore, this variant is classified as a variant of uncertain significance.

Ambry Genetics
Classification: Likely benign for Cardiovascular phenotype. Last evaluated: 2022-11-14. Review status: criteria provided, single submitter. Criteria: Ambry Variant Classification Scheme 2023. Collection method: clinical testing. Allele origin: germline.

Literature cited by the submitters: PubMed 10976944 (cited by Labcorp Genetics (formerly Invitae), Labcorp).